The following is an entry in ClinVar:

NM_001034850.3(RETREG1):c.1236G>C (p.Leu412=)

Gene: RETREG1 (reticulophagy regulator 1; minus strand). Cytogenetic location: 5p15.1.
Variant type: single nucleotide variant.
Coding change: c.1236G>C on transcript NM_001034850.3 (MANE Select); coding-DNA position 1236, G replaced by C.
Protein change: p.Leu412=; no amino-acid change (leucine 412 retained).
Molecular consequence: synonymous variant.
Genome position (GRCh38, 1-based): chr5:16,474,999, C>G on the plus strand (G>C on the coding strand, the complement: RETREG1 is on the minus strand). VCF-style: chr5-16474999-C-G. GRCh37 (hg19) VCF-style: chr5-16475108-C-G.
Other names: c.813G>C, p.Leu271= (NM_019000.5).
Identifiers: ClinVar variation 507411 (VCV000507411.15), dbSNP rs150705378, ClinGen allele CA3210224.

ClinVar aggregate classification (germline): Likely benign. Review status: criteria provided, multiple submitters, no conflicts (2 of 4 stars). 4 submissions from 4 submitters: Likely benign (4). Last evaluated 2026-03-03.

Conditions:
RETREG1-related disorder. Also called: RETREG1-related condition.
Inborn genetic diseases. Identifiers: MedGen C0950123, MeSH D030342.

Allele frequency attached by ClinVar (database versions not stated): TOPMed 0.00029; ESP Exome Variant Server 0.00032; gnomAD 0.00034; 1000 Genomes Project 0.00100; 1000 Genomes Project 30x 0.00109; gnomAD exomes 0.00010; ExAC 0.00012.
gnomAD v4.1: 85 of 1,613,286 alleles (0.0053%); highest among the groups gnomAD compares: African/African-American, 0.11%; no homozygotes.

Submissions (4):

PreventionGenetics, part of Exact Sciences
Classification: Likely benign for RETREG1-related condition. Last evaluated: 2026-03-03. Review status: criteria provided, single submitter. Criteria: ACMG Guidelines, 2015. Collection method: clinical testing. Allele origin: germline.
Comment: This variant is classified as likely benign based on ACMG/AMP sequence variant interpretation guidelines (Richards et al. 2015 PMID: 25741868, with internal and published modifications).

Labcorp Genetics (formerly Invitae), Labcorp
Classification: Likely benign. Last evaluated: 2025-05-26. Review status: criteria provided, single submitter. Criteria: Invitae Variant Classification Sherloc (09022015). Collection method: clinical testing. Allele origin: germline.

Ambry Genetics
Classification: Likely benign for Inborn genetic diseases. Last evaluated: 2019-07-11. Review status: criteria provided, single submitter. Criteria: Ambry Variant Classification Scheme 2023. Collection method: clinical testing. Allele origin: germline.

GeneDx
Classification: Likely benign. Last evaluated: 2017-02-14. Review status: criteria provided, single submitter. Criteria: GeneDx Variant Classification (06012015). Collection method: clinical testing. Allele origin: germline. Affected: yes.
Comment: This variant is considered likely benign or benign based on one or more of the following criteria: it is a conservative change, it occurs at a poorly conserved position in the protein, it is predicted to be benign by multiple in silico algorithms, and/or has population frequency not consistent with disease.